The following is an entry in ClinVar:

ClinVar aggregate classification (germline): Likely benign (1 of 4 stars; one submission).

gnomAD v4.1: 15 of 1,610,976 alleles (0.00093%); highest among the groups gnomAD compares: Non-Finnish European, 0.0011%; 1 homozygote.

Submission:

CeGaT Center for Human Genetics Tuebingen
Classification: Likely benign. Last evaluated: 2025-09-01. Review status: criteria provided, single submitter. Criteria: CeGaT Center For Human Genetics Tuebingen Variant Classification Criteria Version 2. Collection method: clinical testing. Allele origin: germline. Affected: yes. Observed: 2 variant alleles.
Comment: AFF3: BP4, BP7

NM_001386135.1(AFF3):c.2049C>T (p.Ser683=)

Gene: AFF3 (ALF transcription elongation factor 3; minus strand). Cytogenetic location: 2q11.2.
Variant type: single nucleotide variant.
Coding change: c.2049C>T on transcript NM_001386135.1 (MANE Select); coding-DNA position 2049, C replaced by T.
Protein change: p.Ser683=; no amino-acid change (serine 683 retained).
Molecular consequence: synonymous variant.
Genome position (GRCh38, 1-based): chr2:99,593,612, G>A on the plus strand (C>T on the coding strand, the complement: AFF3 is on the minus strand). VCF-style: chr2-99593612-G-A. GRCh37 (hg19) VCF-style: chr2-100210074-G-A.
Other names: c.2124C>T, p.Ser708= (NM_001025108.2); c.2049C>T, p.Ser683= (NM_002285.3).
Identifiers: ClinVar variation 2651187 (VCV002651187.24), dbSNP rs1047281, ClinGen allele CA52758200.
Genomic context (GRCh38, chr2:99,593,612, plus strand): 5'-CCCGGAGGAGGCAGAGGCAGCCACGGTCTGTGCTTTGGACAGAGGGTACTCCTCCTGCTC[G>A]GACTCCAGGTCGGAGTCCGAGGAGGAGGATGAAGATGACGACTCTGTCTCAATGAACTCC-3'
Protein context (NP_001373064.1, residues 673-693): SSSSSDSDLE[Ser683=]EQEEYPLSKA